The following is an entry in ClinVar:

NM_001005373.4(LRSAM1):c.1298C>T (p.Ser433Leu)

Gene: LRSAM1 (leucine rich repeat and sterile alpha motif containing 1; plus strand). Cytogenetic location: 9q33.3.
Variant type: single nucleotide variant.
Coding change: c.1298C>T on transcript NM_001005373.4 (MANE Select); coding-DNA position 1298, C replaced by T.
Protein change: p.Ser433Leu; replaces serine 433 with leucine.
Molecular consequence: missense variant. On other transcripts: non-coding transcript variant (2).
Genome position (GRCh38, 1-based): chr9:127,487,714, C>T. VCF-style: chr9-127487714-C-T. GRCh37 (hg19) VCF-style: chr9-130249993-C-T.
Other names: c.1298C>T, p.Ser433Leu (NM_001005374.4, NM_001190723.3, NM_001384142.1 and 2 more transcripts); c.509C>T, p.Ser170Leu (NM_001384144.1); short protein forms S170L, S433L.
Identifiers: ClinVar variation 2803727 (VCV002803727.5), dbSNP rs1036275974, ClinGen allele CA199849978.

ClinVar aggregate classification (germline): Uncertain significance. Review status: criteria provided, multiple submitters, no conflicts (2 of 4 stars). 4 submissions from 4 submitters: Uncertain significance (4). Last evaluated 2024-11-06.

Conditions:
Charcot-Marie-Tooth disease axonal type 2P. Also called: CHARCOT-MARIE-TOOTH NEUROPATHY, TYPE 2P; Charcot-Marie-Tooth Neuropathy Type 2G; CHARCOT-MARIE-TOOTH DISEASE, AXONAL, TYPE 2G; CMT 2G. Identifiers: Orphanet 300319, Orphanet 99941, MedGen C3280797, MONDO:0013753, OMIM 614436.

Allele frequency attached by ClinVar (database versions not stated): gnomAD 0.00001; TOPMed 0.00002.
gnomAD v4.1: 41 of 1,613,630 alleles (0.0025%); highest among the groups gnomAD compares: Middle Eastern, 0.016%; no homozygotes.

Submissions (4):

GeneDx
Classification: Uncertain significance. Last evaluated: 2024-11-06. Review status: criteria provided, single submitter. Criteria: GeneDx Variant Classification Process June 2021. Collection method: clinical testing. Allele origin: germline. Affected: yes.
Comment: Not observed at significant frequency in large population cohorts (gnomAD); In silico analysis indicates that this missense variant does not alter protein structure/function; Previously reported in probands with neuropathy; however in some cases, variants in other genes associated with the phenotype were also identified (PMID: 33369814, 27549087, 33265090); This variant is associated with the following publications: (PMID: 33414056, 27549087, 33265090, 33369814)

Blueprint Genetics
Classification: Uncertain significance. Last evaluated: 2024-08-13. Review status: criteria provided, single submitter. Criteria: ACMG Guidelines, 2015. Collection method: clinical testing. Allele origin: germline.

Labcorp Genetics (formerly Invitae), Labcorp
Classification: Uncertain significance for Charcot-Marie-Tooth disease axonal type 2P. Last evaluated: 2024-04-18. Review status: criteria provided, single submitter. Criteria: Invitae Variant Classification Sherloc (09022015). Collection method: clinical testing. Allele origin: germline.
Comment: This sequence change replaces serine, which is neutral and polar, with leucine, which is neutral and non-polar, at codon 433 of the LRSAM1 protein (p.Ser433Leu). This variant is present in population databases (no rsID available, gnomAD 0.002%). This missense change has been observed in individual(s) with inherited peripheral neuropathy (PMID: 27549087). Advanced modeling of protein sequence and biophysical properties (such as structural, functional, and spatial information, amino acid conservation, physicochemical variation, residue mobility, and thermodynamic stability) performed at Invitae indicates that this missense variant is not expected to disrupt LRSAM1 protein function with a negative predictive value of 80%. In summary, the available evidence is currently insufficient to determine the role of this variant in disease. Therefore, it has been classified as a Variant of Uncertain Significance.

ARUP Laboratories, Molecular Genetics and Genomics, ARUP Laboratories
Classification: Uncertain significance for Charcot-Marie-Tooth disease axonal type 2P. Last evaluated: 2023-09-26. Review status: criteria provided, single submitter. Criteria: ARUP Molecular Germline Variant Investigation Process 2024. Collection method: clinical testing. Allele origin: germline.
Comment: The LRSAM1 c.1298C>T; p.Ser433Leu variant (rs1036275974) is reported in the literature in individuals affected with neuropathy (Lassuthova 2016, Vitello 2020). This variant was also found in a healthy parent (Vitello 2020). This variant is only observed on two alleles in the Genome Aggregation Database, indicating it is not a common polymorphism. Computational analyses predict that this variant is neutral (REVEL: 0.107). Due to limited information, the clinical significance of this variant is uncertain at this time. References: Lassuthova P et al. Improving diagnosis of inherited peripheral neuropathies through gene panel analysis. Orphanet J Rare Dis. 2016 Aug 22;11(1):118. PMID: 27549087. Vitello GA et al. Possible implication of undescribed SMN1-SMN2 genotype in chronic EMG-pattern of SMA with transitory acute denervation. J Musculoskelet Neuronal Interact. 2020 Dec 1;20(4):610-613. PMID: 33265090.

Literature cited by the submitters: PubMed 27549087 (cited by Labcorp Genetics (formerly Invitae), Labcorp).